The following is an entry in ClinVar:

NM_001368894.2(PAX6):c.885A>G (p.Thr295=)

Gene: PAX6 (paired box 6; minus strand). Cytogenetic location: 11p13.
Variant type: single nucleotide variant.
Coding change: c.885A>G on transcript NM_001368894.2 (MANE Select); coding-DNA position 885, A replaced by G.
Protein change: p.Thr295=; no amino-acid change (threonine 295 retained).
Molecular consequence: synonymous variant. On other transcripts: non-coding transcript variant (2).
Genome position (GRCh38, 1-based): chr11:31,793,725, T>C on the plus strand (A>G on the coding strand, the complement: PAX6 is on the minus strand). VCF-style: chr11-31793725-T-C. GRCh37 (hg19) VCF-style: chr11-31815273-T-C.
Other names: c.843A>G, p.Thr281= (NM_000280.6, NM_001127612.3, NM_001258464.2 and 10 more transcripts); c.885A>G, p.Thr295= (NM_001258462.3, NM_001258463.2, NM_001310158.2 and 6 more transcripts); c.435A>G, p.Thr145= (NM_001310160.2, NM_001310161.3, NM_001368899.2 and 11 more transcripts); c.1086A>G, p.Thr362= (NM_001368910.2); c.888A>G, p.Thr296= (NM_001368911.2); c.960A>G, p.Thr320= (NM_001368918.2, NM_001368919.2); c.918A>G, p.Thr306= (NM_001368920.2); c.684A>G, p.Thr228= (NM_001368921.2, NM_001368922.2, NM_001368923.2 and 4 more transcripts); and 2 more.
Identifiers: ClinVar variation 879236 (VCV000879236.5), dbSNP rs1592415376, ClinGen allele CA473773007.

ClinVar aggregate classification (germline): Uncertain significance. Review status: criteria provided, single submitter (1 of 4 stars). 4 submissions from 1 submitter: Uncertain significance (4). Last evaluated 2017-09-20.

Conditions:
Foveal hypoplasia 1. Also called: FOVEAL HYPOPLASIA 1 WITH OR WITHOUT ANTERIOR SEGMENT ANOMALIES AND/OR CATARACT; FOVEAL HYPOPLASIA 1 WITH ANTERIOR SEGMENT ANOMALIES. Identifiers: Orphanet 2253, MedGen C3805604, MONDO:0007628, OMIM 136520.
Anophthalmia-microphthalmia syndrome. Also called: Anophthalmia/Microphthalmia; Anophthalmia - microphthalmia. Identifiers: Orphanet 98555, MedGen C5680330, MONDO:0020147.
Autosomal dominant keratitis. Also called: Keratitis, hereditary. Identifiers: Orphanet 2334, MedGen C1835698, MONDO:0007848, OMIM 148190.
carboxymethyl-dextran-A2-gadolinium-DOTA.

Allele frequency attached by ClinVar (database versions not stated): gnomAD exomes below 0.00001.
gnomAD v4.1: 1 of 1,614,104 alleles (0.000062%); highest among the groups gnomAD compares: Non-Finnish European, 0.000085%; no homozygotes.

Submissions (4):

Illumina Laboratory Services, Illumina
Classification: Uncertain significance for Anophthalmia-microphthalmia syndrome. Last evaluated: 2017-09-20. Review status: criteria provided, single submitter. Criteria: ICSL Variant Classification Criteria 13 December 2019. Collection method: clinical testing. Allele origin: germline.
Comment: This variant was observed as part of a predisposition screen in an ostensibly healthy population. A literature search was performed for the gene, cDNA change, and amino acid change (where applicable). Publications were found based on this search. However, the evidence from the literature, in combination with allele frequency data from public databases where available, was not sufficient to rule this variant in or out of causing disease. Therefore, this variant is classified as a variant of unknown significance.

Illumina Laboratory Services, Illumina
Classification: Uncertain significance for Foveal hypoplasia 1. Last evaluated: 2017-09-20. Review status: criteria provided, single submitter. Criteria: ICSL Variant Classification Criteria 13 December 2019. Collection method: clinical testing. Allele origin: germline.
Comment: the same text as in the submission from Illumina Laboratory Services, Illumina above.

Illumina Laboratory Services, Illumina
Classification: Uncertain significance for Autosomal dominant keratitis. Last evaluated: 2017-09-20. Review status: criteria provided, single submitter. Criteria: ICSL Variant Classification Criteria 13 December 2019. Collection method: clinical testing. Allele origin: germline.
Comment: the same text as in the submission from Illumina Laboratory Services, Illumina above.

Illumina Laboratory Services, Illumina
Classification: Uncertain significance for carboxymethyl-dextran-A2-gadolinium-DOTA. Last evaluated: 2017-09-20. Review status: criteria provided, single submitter. Criteria: ICSL Variant Classification Criteria 13 December 2019. Collection method: clinical testing. Allele origin: germline.
Comment: the same text as in the submission from Illumina Laboratory Services, Illumina above.

Literature cited by the submitters: PubMed 16407227.